The following is an entry in ClinVar:

ClinVar aggregate classification (germline): Uncertain significance (1 of 4 stars; one submission).

Conditions:
Autosomal recessive severe congenital neutropenia due to CSF3R deficiency. Also called: Neutropenia, severe congenital, 7, autosomal recessive. Identifiers: Orphanet 420702, MedGen C4310764, MONDO:0014865, OMIM 617014.

Allele frequency attached by ClinVar (database versions not stated): gnomAD 0.00001.
gnomAD v4.1: 1 of 1,613,978 alleles (0.000062%); highest among the groups gnomAD compares: Admixed American, 0.0017%; no homozygotes.

Submission:

Labcorp Genetics (formerly Invitae), Labcorp
Classification: Uncertain significance for Autosomal recessive severe congenital neutropenia due to CSF3R deficiency. Last evaluated: 2023-11-27. Review status: criteria provided, single submitter. Criteria: Invitae Variant Classification Sherloc (09022015). Collection method: clinical testing. Allele origin: germline.
Comment: This sequence change replaces histidine, which is basic and polar, with arginine, which is basic and polar, at codon 261 of the CSF3R protein (p.His261Arg). This variant is not present in population databases (gnomAD no frequency). This variant has not been reported in the literature in individuals affected with CSF3R-related conditions. ClinVar contains an entry for this variant (Variation ID: 1017717). Advanced modeling of protein sequence and biophysical properties (such as structural, functional, and spatial information, amino acid conservation, physicochemical variation, residue mobility, and thermodynamic stability) performed at Invitae indicates that this missense variant is not expected to disrupt CSF3R protein function with a negative predictive value of 80%. In summary, the available evidence is currently insufficient to determine the role of this variant in disease. Therefore, it has been classified as a Variant of Uncertain Significance.

NM_000760.4(CSF3R):c.782A>G (p.His261Arg)

Gene: CSF3R (colony stimulating factor 3 receptor; minus strand). Cytogenetic location: 1p34.3.
Variant type: single nucleotide variant.
Coding change: c.782A>G on transcript NM_000760.4 (MANE Select); coding-DNA position 782, A replaced by G.
Protein change: p.His261Arg; replaces histidine 261 with arginine.
Molecular consequence: missense variant.
Genome position (GRCh38, 1-based): chr1:36,472,578, T>C on the plus strand (A>G on the coding strand, the complement: CSF3R is on the minus strand). VCF-style: chr1-36472578-T-C. GRCh37 (hg19) VCF-style: chr1-36938179-T-C.
Other names: c.782A>G, p.His261Arg (NM_156039.3, NM_172313.3); short protein forms H261R.
Identifiers: ClinVar variation 1017717 (VCV001017717.8), dbSNP rs1650841565, ClinGen allele CA339422874.